The following is an entry in ClinVar:

ClinVar aggregate classification (germline): Uncertain significance (1 of 4 stars; one submission).

Conditions:
Primary ciliary dyskinesia 6. Also called: Primary Ciliary Dyskinesia 6: TXNDC3-Related Primary Ciliary Dyskinesia. Identifiers: Orphanet 244, MedGen C1970506, MONDO:0012571, OMIM 610852.

Submission:

Labcorp Genetics (formerly Invitae), Labcorp
Classification: Uncertain significance for Primary ciliary dyskinesia 6. Last evaluated: 2025-08-30. Review status: criteria provided, single submitter. Criteria: Invitae Variant Classification Sherloc (09022015). Collection method: clinical testing. Allele origin: germline.
Comment: This sequence change falls in intron 9 of the NME8 gene. It does not directly change the encoded amino acid sequence of the NME8 protein. It affects a nucleotide within the consensus splice site. This variant is present in population databases (rs368356998, gnomAD 0.0009%). This variant has not been reported in the literature in individuals affected with NME8-related conditions. Variants that disrupt the consensus splice site are a relatively common cause of aberrant splicing (PMID: 17576681, 9536098). Algorithms developed to predict the effect of sequence changes on RNA splicing suggest that this variant may disrupt the consensus splice site. In summary, the available evidence is currently insufficient to determine the role of this variant in disease. Therefore, it has been classified as a Variant of Uncertain Significance.

Literature cited by the submitters: PubMed 17576681; PubMed 9536098.

NM_016616.5(NME8):c.529-3A>G

Gene: NME8 (NME/NM23 family member 8; plus strand). Cytogenetic location: 7p14.1.
Variant type: single nucleotide variant.
Coding change: c.529-3A>G on transcript NM_016616.5 (MANE Select); 3 bases into the intron before coding-DNA position 529, A replaced by G.
Molecular consequence: intron variant.
Genome position (GRCh38, 1-based): chr7:37,865,522, A>G. VCF-style: chr7-37865522-A-G. GRCh37 (hg19) VCF-style: chr7-37905124-A-G.
Identifiers: ClinVar variation 4726048 (VCV004726048.1).
Genomic context (GRCh38, chr7:37,865,522, plus strand): 5'-AACTTAACTTGTTTTACATGTGATCCCACGACACCTGGATTTGACCTTACTCTCTAATTG[A>G]AGATTACCAAAGCTGGATTTATTATAGAAGCAGAGCATAAGACAGTGCTCACTGAAGAAC-3'